The following is an entry in ClinVar:

NM_000222.3(KIT):c.2930G>C (p.Ter977Ser)

Gene: KIT (KIT proto-oncogene, receptor tyrosine kinase; plus strand). Cytogenetic location: 4q12.
Variant type: single nucleotide variant.
Coding change: c.2930G>C on transcript NM_000222.3 (MANE Select); coding-DNA position 2930, G replaced by C.
Protein change: p.Ter977Ser.
Molecular consequence: stop lost.
Genome position (GRCh38, 1-based): chr4:54,738,556, G>C. VCF-style: chr4-54738556-G-C. GRCh37 (hg19) VCF-style: chr4-55604722-G-C.
Other names: c.2918G>C, p.Ter973Ser (NM_001093772.2, NM_001385292.1); c.2933G>C, p.Ter978Ser (NM_001385284.1); c.2927G>C, p.Ter976Ser (NM_001385285.1); c.2915G>C, p.Ter972Ser (NM_001385286.1); c.2921G>C, p.Ter974Ser (NM_001385288.1); c.2930G>C, p.Ter977Ser (NM_001385290.1).
Identifiers: ClinVar variation 1490111 (VCV001490111.6), dbSNP rs2109819694, ClinGen allele CA356916643.
Genomic context (GRCh38, chr4:54,738,556, plus strand): 5'-TCAATTCTGTCGGCAGCACCGCTTCCTCCTCCCAGCCTCTGCTTGTGCACGACGATGTCT[G>C]AGCAGAATCAGTGTTTGGGTCACCCCTCCAGGAATGATCTCTTCTTTTGGCTTCCATGAT-3'

ClinVar aggregate classification (germline): Uncertain significance (1 of 4 stars; one submission).

Conditions:
Gastrointestinal stromal tumor. Also called: Gastrointestinal stroma tumor; Gastrointestinal stromal tumor, somatic. Identifiers: Orphanet 44890, MedGen C0238198, MeSH D046152, MONDO:0011719, OMIM 606764, HP:0100723.

Submission:

Labcorp Genetics (formerly Invitae), Labcorp
Classification: Uncertain significance for Gastrointestinal stromal tumor. Last evaluated: 2021-03-23. Review status: criteria provided, single submitter. Criteria: Invitae Variant Classification Sherloc (09022015). Collection method: clinical testing. Allele origin: germline.
Comment: In summary, the available evidence is currently insufficient to determine the role of this variant in disease. Therefore, it has been classified as a Variant of Uncertain Significance. Experimental studies and prediction algorithms are not available or were not evaluated, and the functional significance of this variant is currently unknown. This variant has not been reported in the literature in individuals with KIT-related conditions. This variant is not present in population databases (ExAC no frequency). This sequence change disrupts the translational stop signal of the KIT mRNA. It is expected to extend the length of the KIT protein by 12 additional amino acid residues.